The following is an entry in ClinVar:

ClinVar aggregate classification (germline): Uncertain significance (1 of 4 stars; one submission).

Submission:

Labcorp Genetics (formerly Invitae), Labcorp
Classification: Uncertain significance. Last evaluated: 2023-10-23. Review status: criteria provided, single submitter. Criteria: Invitae Variant Classification Sherloc (09022015). Collection method: clinical testing. Allele origin: germline.
Comment: This sequence change replaces arginine, which is basic and polar, with proline, which is neutral and non-polar, at codon 1614 of the ALPK3 protein (p.Arg1614Pro). This variant is not present in population databases (gnomAD no frequency). This variant has not been reported in the literature in individuals affected with ALPK3-related conditions. An algorithm developed to predict the effect of missense changes on protein structure and function (PolyPhen-2) suggests that this variant is likely to be tolerated. In summary, the available evidence is currently insufficient to determine the role of this variant in disease. Therefore, it has been classified as a Variant of Uncertain Significance.

NM_020778.5(ALPK3):c.4235G>C (p.Arg1412Pro)

Gene: ALPK3 (alpha kinase 3; plus strand). Cytogenetic location: 15q25.3.
Variant type: single nucleotide variant.
Coding change: c.4235G>C on transcript NM_020778.5 (MANE Select); coding-DNA position 4235, G replaced by C.
Protein change: p.Arg1412Pro; replaces arginine 1412 with proline.
Molecular consequence: missense variant.
Genome position (GRCh38, 1-based): chr15:84,862,740, G>C. VCF-style: chr15-84862740-G-C. GRCh37 (hg19) VCF-style: chr15-85405971-G-C.
Other names: short protein forms R1412P.
Identifiers: ClinVar variation 2800330 (VCV002800330.3), dbSNP rs769568552, ClinGen allele CA273631340.
Genomic context (GRCh38, chr15:84,862,740, plus strand): 5'-TGGCTGACTCTGGCTGCTGGGGGGACAAGCTCTTTGGGCGACTGGTAAGCGAGGAGCTCC[G>C]AGGGGGTGGATATGGGTGTGGCCTTCGGAAGGCCTCCCAGGCCAAGGTCATCTACGGGCT-3'
Protein context (NP_065829.4, residues 1402-1422): LFGRLVSEEL[Arg1412Pro]GGGYGCGLRK